The following is an entry in ClinVar:

NM_002016.2(FLG):c.6689C>A (p.Ser2230Ter)

Genes: CCDST (cervical cancer associated DHX9 suppressive transcript; plus strand), FLG (filaggrin; minus strand). Cytogenetic location: 1q21.3.
Variant type: single nucleotide variant.
Coding change: c.6689C>A on transcript NM_002016.2 (MANE Select); coding-DNA position 6689, C replaced by A.
Protein change: p.Ser2230Ter; replaces serine 2230 with a stop codon.
Molecular consequence: nonsense.
Genome position (GRCh38, 1-based): chr1:152,308,197, G>T on the plus strand (C>A on the coding strand, the complement: FLG is on the minus strand). VCF-style: chr1-152308197-G-T. GRCh37 (hg19) VCF-style: chr1-152280673-G-T.
Other names: short protein forms S2230*.
Identifiers: ClinVar variation 3340357 (VCV003340357.1).

ClinVar aggregate classification (germline): Pathogenic (1 of 4 stars; one submission).

gnomAD v4.1: 2 of 1,613,904 alleles (0.00012%); highest among the groups gnomAD compares: Non-Finnish European, 0.00017%; no homozygotes.

Submission:

GeneDx
Classification: Pathogenic. Last evaluated: 2024-02-07. Review status: criteria provided, single submitter. Criteria: GeneDx Variant Classification Process June 2021. Collection method: clinical testing. Allele origin: germline. Affected: yes.
Comment: Nonsense variant predicted to result in protein truncation, as the last 1832 amino acids are lost, and other loss-of-function variants have been reported downstream in HGMD; Not observed at significant frequency in large population cohorts (gnomAD); Has not been previously published as pathogenic or benign to our knowledge